The following is an entry in ClinVar:

NM_001845.6(COL4A1):c.1777T>C (p.Phe593Leu)

Gene: COL4A1 (collagen type IV alpha 1 chain; minus strand). Cytogenetic location: 13q34.
Variant type: single nucleotide variant.
Coding change: c.1777T>C on transcript NM_001845.6 (MANE Select); coding-DNA position 1777, T replaced by C.
Protein change: p.Phe593Leu; replaces phenylalanine 593 with leucine.
Molecular consequence: missense variant.
Genome position (GRCh38, 1-based): chr13:110,186,505, A>G on the plus strand (T>C on the coding strand, the complement: COL4A1 is on the minus strand). VCF-style: chr13-110186505-A-G. GRCh37 (hg19) VCF-style: chr13-110838852-A-G.
Other names: short protein forms F593L.
Identifiers: ClinVar variation 3765970 (VCV003765970.1).

ClinVar aggregate classification (germline): Uncertain significance (1 of 4 stars; one submission).

Submission:

GeneDx
Classification: Uncertain significance. Last evaluated: 2024-08-30. Review status: criteria provided, single submitter. Criteria: GeneDx Variant Classification Process June 2021. Collection method: clinical testing. Allele origin: germline. Affected: yes.
Comment: Not observed at significant frequency in large population cohorts (gnomAD); In silico analysis indicates that this missense variant does not alter protein structure/function; Has not been previously published as pathogenic or benign to our knowledge